The following is an entry in ClinVar:

ClinVar aggregate classification (germline): Uncertain significance. Review status: criteria provided, multiple submitters, no conflicts (2 of 4 stars). 2 submissions from 2 submitters: Uncertain significance (2). Last evaluated 2024-09-02.

Conditions:
Arrhythmogenic right ventricular dysplasia 8 (ARVD8). Also called: ARRHYTHMOGENIC RIGHT VENTRICULAR DYSPLASIA, FAMILIAL, 8; ARRHYTHMOGENIC RIGHT VENTRICULAR CARDIOMYOPATHY 8; Arrhythmogenic Right Ventricular Dysplasia/Cardiomyopathy 8. Identifiers: MedGen C1843896, MONDO:0011831, OMIM 607450.
Arrhythmogenic cardiomyopathy with wooly hair and keratoderma. Also called: Dilated cardiomyopathy with woolly hair and keratoderma; Carvajal syndrome; PALMOPLANTAR KERATODERMA WITH LEFT VENTRICULAR CARDIOMYOPATHY AND WOOLLY HAIR; Arrhythmogenic cardiomyopathy with woolly hair and keratoderma. Identifiers: Orphanet 65282, MedGen C1854063, MONDO:0011581, OMIM 605676.
Cardiomyopathy (CMYO). Also called: Cardiomyopathies. Identifiers: Orphanet 167848, MedGen C0878544, MONDO:0004994, HP:0001638. Inheritance: Various modes of inheritance.

Allele frequency attached by ClinVar (database versions not stated): gnomAD exomes below 0.00001 and 0.00001; ExAC 0.00002.
gnomAD v4.1: 9 of 1,613,706 alleles (0.00056%); highest among the groups gnomAD compares: Non-Finnish European, 0.00059%; no homozygotes.

Submissions (2):

Labcorp Genetics (formerly Invitae), Labcorp
Classification: Uncertain significance for Arrhythmogenic cardiomyopathy with wooly hair and keratoderma; Arrhythmogenic right ventricular dysplasia 8. Last evaluated: 2024-09-02. Review status: criteria provided, single submitter. Criteria: Invitae Variant Classification Sherloc (09022015). Collection method: clinical testing. Allele origin: germline.
Comment: This sequence change replaces glycine, which is neutral and non-polar, with serine, which is neutral and polar, at codon 179 of the DSP protein (p.Gly179Ser). This variant is present in population databases (rs774829433, gnomAD 0.0009%). This missense change has been observed in individual(s) with left ventricular noncompaction (PMID: 33500567). ClinVar contains an entry for this variant (Variation ID: 1040786). An algorithm developed to predict the effect of missense changes on protein structure and function (PolyPhen-2) suggests that this variant is likely to be disruptive. In summary, the available evidence is currently insufficient to determine the role of this variant in disease. Therefore, it has been classified as a Variant of Uncertain Significance.

Color Diagnostics, LLC DBA Color Health
Classification: Uncertain significance for Cardiomyopathy. Last evaluated: 2024-03-07. Review status: criteria provided, single submitter. Criteria: ACMG Guidelines, 2015. Collection method: clinical testing. Allele origin: germline.
Comment: This missense variant replaces glycine with serine at codon 179 of the DSP protein. Computational prediction suggests that this variant may not impact protein structure and function (internally defined REVEL score threshold <= 0.5, PMID: 27666373). To our knowledge, functional studies have not been reported for this variant. This variant has not been reported in individuals affected with cardiovascular disorders in the literature. This variant has been identified in 1/251288 chromosomes in the general population by the Genome Aggregation Database (gnomAD). The available evidence is insufficient to determine the role of this variant in disease conclusively. Therefore, this variant is classified as a Variant of Uncertain Significance.

Literature cited by the submitters: PubMed 33500567 (cited by Labcorp Genetics (formerly Invitae), Labcorp).

NM_004415.4(DSP):c.535G>A (p.Gly179Ser)

Gene: DSP (desmoplakin; plus strand). Cytogenetic location: 6p24.3.
Variant type: single nucleotide variant.
Coding change: c.535G>A on transcript NM_004415.4 (MANE Select); coding-DNA position 535, G replaced by A.
Protein change: p.Gly179Ser; replaces glycine 179 with serine.
Molecular consequence: missense variant.
Genome position (GRCh38, 1-based): chr6:7,559,338, G>A. VCF-style: chr6-7559338-G-A. GRCh37 (hg19) VCF-style: chr6-7559571-G-A.
Other names: c.535G>A, p.Gly179Ser (NM_001008844.3, NM_001319034.2); short protein forms G179S.
Identifiers: ClinVar variation 1040786 (VCV001040786.10), dbSNP rs774829433, ClinGen allele CA044691.